The following is an entry in ClinVar:

NM_002439.5(MSH3):c.2318+4G>C

Gene: MSH3 (mutS homolog 3; plus strand). Cytogenetic location: 5q14.1.
Variant type: single nucleotide variant.
Coding change: c.2318+4G>C on transcript NM_002439.5 (MANE Select); 4 bases into the intron after coding-DNA position 2318, G replaced by C.
Molecular consequence: intron variant.
Genome position (GRCh38, 1-based): chr5:80,775,762, G>C. VCF-style: chr5-80775762-G-C. GRCh37 (hg19) VCF-style: chr5-80071581-G-C.
Identifiers: ClinVar variation 3668949 (VCV003668949.2).

ClinVar aggregate classification (germline): Uncertain significance (1 of 4 stars; one submission).

Submission:

Labcorp Genetics (formerly Invitae), Labcorp
Classification: Uncertain significance. Last evaluated: 2024-05-01. Review status: criteria provided, single submitter. Criteria: Invitae Variant Classification Sherloc (09022015). Collection method: clinical testing. Allele origin: germline.
Comment: This sequence change falls in intron 16 of the MSH3 gene. It does not directly change the encoded amino acid sequence of the MSH3 protein. It affects a nucleotide within the consensus splice site. This variant is not present in population databases (gnomAD no frequency). This variant has not been reported in the literature in individuals affected with MSH3-related conditions. Variants that disrupt the consensus splice site are a relatively common cause of aberrant splicing (PMID: 17576681, 9536098). Algorithms developed to predict the effect of sequence changes on RNA splicing suggest that this variant is not likely to affect RNA splicing. In summary, the available evidence is currently insufficient to determine the role of this variant in disease. Therefore, it has been classified as a Variant of Uncertain Significance.

Literature cited by the submitters: PubMed 17576681; PubMed 9536098.